The following is an entry in ClinVar:

ClinVar aggregate classification (germline): Uncertain significance (1 of 4 stars; one submission).

Conditions:
Heterotopia, periventricular, X-linked dominant (PVNH1). Also called: PERIVENTRICULAR NODULAR HETEROTOPIA 1; PERIVENTRICULAR NODULAR HETEROTOPIA 4; HETEROTOPIA, PERIVENTRICULAR, 1; X-linked periventricular heterotopia. Identifiers: Orphanet 2149, Orphanet 82004, MedGen C1848213, MONDO:0010233, OMIM 300049.
Melnick-Needles syndrome (MNS). Also called: Melnick-Needles Syndrome (FLNA-MNS); MELNICK-NEEDLES OSTEODYSPLASTY; OSTEODYSPLASTY OF MELNICK AND NEEDLES. Identifiers: Orphanet 2484, MedGen C0025237, MONDO:0010650, OMIM 309350.
Oto-palato-digital syndrome, type II (OPD2). Also called: Otopalatodigital Syndrome Type 2 (FLNA-OPD2); FACIOPALATOOSSEOUS SYNDROME; OPD II SYNDROME; Otopalatodigital Syndrome, Type II. Identifiers: Orphanet 669, Orphanet 90652, MedGen C1844696, MONDO:0010571, OMIM 304120.
Frontometaphyseal dysplasia (FMD1). Identifiers: Orphanet 1826, MedGen C0265293, MONDO:0015942.

Submission:

Labcorp Genetics (formerly Invitae), Labcorp
Classification: Uncertain significance for Oto-palato-digital syndrome, type II; Heterotopia, periventricular, X-linked dominant; Frontometaphyseal dysplasia; Melnick-Needles syndrome. Last evaluated: 2024-02-23. Review status: criteria provided, single submitter. Criteria: Invitae Variant Classification Sherloc (09022015). Collection method: clinical testing. Allele origin: germline.
Comment: This sequence change replaces methionine, which is neutral and non-polar, with isoleucine, which is neutral and non-polar, at codon 1403 of the FLNA protein (p.Met1403Ile). This variant is not present in population databases (gnomAD no frequency). This variant has not been reported in the literature in individuals affected with FLNA-related conditions. ClinVar contains an entry for this variant (Variation ID: 1972049). Advanced modeling of protein sequence and biophysical properties (such as structural, functional, and spatial information, amino acid conservation, physicochemical variation, residue mobility, and thermodynamic stability) performed at Invitae indicates that this missense variant is not expected to disrupt FLNA protein function with a negative predictive value of 95%. In summary, the available evidence is currently insufficient to determine the role of this variant in disease. Therefore, it has been classified as a Variant of Uncertain Significance.

NM_001110556.2(FLNA):c.4209G>C (p.Met1403Ile)

Gene: FLNA (filamin A; minus strand). Cytogenetic location: Xq28.
Variant type: single nucleotide variant.
Coding change: c.4209G>C on transcript NM_001110556.2 (MANE Select); coding-DNA position 4209, G replaced by C.
Protein change: p.Met1403Ile; replaces methionine 1403 with isoleucine.
Molecular consequence: missense variant.
Genome position (GRCh38, 1-based): chrX:154,359,340, C>G on the plus strand (G>C on the coding strand, the complement: FLNA is on the minus strand). VCF-style: chrX-154359340-C-G. GRCh37 (hg19) VCF-style: chrX-153587708-C-G.
Other names: c.4209G>C, p.Met1403Ile (NM_001456.4); short protein forms M1403I.
Identifiers: ClinVar variation 1972049 (VCV001972049.5), dbSNP rs2522738102, ClinGen allele CA415218452.